The following is an entry in ClinVar:

NM_001395631.1(NBPF14):c.8761G>A (p.Val2921Ile)

Gene: NBPF14 (NBPF member 14; minus strand). Cytogenetic location: 1q21.2.
Variant type: single nucleotide variant.
Coding change: c.8761G>A on transcript NM_001395631.1 (MANE Select); coding-DNA position 8761, G replaced by A.
Protein change: p.Val2921Ile; replaces valine 2921 with isoleucine.
Molecular consequence: missense variant.
Genome position (GRCh38, 1-based): chr1:148,533,211, C>T on the plus strand (G>A on the coding strand, the complement: NBPF14 is on the minus strand). VCF-style: chr1-148533211-C-T. GRCh37 (hg19) VCF-style: chr1-148004754-C-T.
Other names: c.8254G>A, p.Val2752Ile (NM_015383.2); short protein forms V2752I, V2921I.
Identifiers: ClinVar variation 2639131 (VCV002639131.24), dbSNP rs200536655, ClinGen allele CA342415327.

ClinVar aggregate classification (germline): Likely benign (1 of 4 stars; one submission).

Allele frequency attached by ClinVar (database versions not stated): ExAC 0.00861.

Submission:

CeGaT Center for Human Genetics Tuebingen
Classification: Likely benign. Last evaluated: 2025-12-01. Review status: criteria provided, single submitter. Criteria: CeGaT Center For Human Genetics Tuebingen Variant Classification Criteria Version 2. Collection method: clinical testing. Allele origin: germline. Affected: yes. Observed: 3 variant alleles.
Comment: NBPF14: BP4, BS2